The following is an entry in ClinVar:

NM_000336.3(SCNN1B):c.530G>A (p.Ser177Asn)

Gene: SCNN1B (sodium channel epithelial 1 subunit beta; plus strand). Cytogenetic location: 16p12.2.
Variant type: single nucleotide variant.
Coding change: c.530G>A on transcript NM_000336.3 (MANE Select); coding-DNA position 530, G replaced by A.
Protein change: p.Ser177Asn; replaces serine 177 with asparagine.
Molecular consequence: missense variant.
Genome position (GRCh38, 1-based): chr16:23,353,019, G>A. VCF-style: chr16-23353019-G-A. GRCh37 (hg19) VCF-style: chr16-23364340-G-A.
Other names: short protein forms S177N.
Identifiers: ClinVar variation 989360 (VCV000989360.7), dbSNP rs748962184, ClinGen allele CA7960166.

ClinVar aggregate classification (germline): Uncertain significance. Review status: criteria provided, multiple submitters, no conflicts (2 of 4 stars). 4 submissions from 4 submitters: Uncertain significance (4). Last evaluated 2025-08-01.

Conditions:
Inborn genetic diseases. Identifiers: MedGen C0950123, MeSH D030342.
Bronchiectasis with or without elevated sweat chloride 1 (BESC1). Also called: Cystic Fibrosis-Like Syndrome. Identifiers: Orphanet 60033, MedGen C2749757, MONDO:0008887, OMIM 211400.
Liddle syndrome 1 (LIDLS1). Also called: PSEUDOALDOSTERONISM. Identifiers: Orphanet 526, MedGen CN031472, MONDO:0020607, OMIM 177200.
Pseudohypoaldosteronism, type IB1, autosomal recessive. Also called: PHA I, AUTOSOMAL RECESSIVE; Autosomal recessive pseudohypoaldosteronism type 1; Pseudohypoaldosteronism, Type I, Autosomal Recessive; Pseudohypoaldosteronism, Type I, Recessive. Identifiers: Orphanet 171876, Orphanet 756, MedGen C5774176, MONDO:0009917, OMIM 264350.

Allele frequency attached by ClinVar (database versions not stated): gnomAD exomes below 0.00001 and 0.00007; ExAC 0.00001; TOPMed 0.00002.
gnomAD v4.1: 112 of 1,614,056 alleles (0.0069%); highest among the groups gnomAD compares: Middle Eastern, 0.016%; no homozygotes.

Submissions (4):

Ambry Genetics
Classification: Uncertain significance for Inborn genetic diseases. Last evaluated: 2025-08-01. Review status: criteria provided, single submitter. Criteria: Ambry Variant Classification Scheme 2023. Collection method: clinical testing. Allele origin: germline.

GeneDx
Classification: Uncertain significance. Last evaluated: 2025-05-30. Review status: criteria provided, single submitter. Criteria: GeneDx Variant Classification Process June 2021. Collection method: clinical testing. Allele origin: germline. Affected: yes.
Comment: In silico analysis suggests that this missense variant does not alter protein structure/function; Has not been previously published as pathogenic or benign to our knowledge

Fulgent Genetics
Classification: Uncertain significance for Liddle syndrome 1; Bronchiectasis with or without elevated sweat chloride 1; Pseudohypoaldosteronism, type IB1, autosomal recessive. Last evaluated: 2022-03-12. Review status: criteria provided, single submitter. Criteria: ACMG Guidelines, 2015. Collection method: clinical testing. Allele origin: unknown.

Illumina Laboratory Services, Illumina
Classification: Uncertain significance for Liddle syndrome 1. Last evaluated: 2020-06-05. Review status: criteria provided, single submitter. Criteria: ICSLVariantClassificationCriteria RUGD 01 April 2020. Collection method: clinical testing. Allele origin: unknown.
Comment: The SCNN1B c.530G>A (p.Ser177Asn) variant is a missense variant. A literature search was performed for the gene, cDNA change, and amino acid change. No publications were found based on this search. The p.Ser177Asn variant is reported at a frequency of 0.000015 in the European (non-Finnish) population of the Genome Aggregation Database though this is based on two alleles in a region of good sequence coverage, so the variant is presumed to be rare. In silico predictions suggest this variant may be non-deleterious. Based on the limited evidence, the p.Ser177Asn variant is classified as a variant of uncertain significance for Liddle syndrome.